The following is an entry in ClinVar:

NM_005445.4(SMC3):c.1465_1467del (p.Asp489del)

Gene: SMC3 (structural maintenance of chromosomes 3; plus strand). Cytogenetic location: 10q25.2.
Variant type: Deletion.
Coding change: c.1465_1467del on transcript NM_005445.4 (MANE Select); coding-DNA positions 1465 to 1467, 3 bases deleted (GAT; older notation c.1465_1467delGAT).
Protein change: p.Asp489del; deletes aspartic acid 489.
Molecular consequence: inframe deletion.
Genome position (GRCh38, 1-based): chr10:110,589,947-110,589,949, GAT deleted. VCF-style (leftmost placement, unchanged base first): chr10-110589946-AGAT-A. GRCh37 (hg19) VCF-style: chr10-112349704-AGAT-A.
Other names: short protein forms D489del.
Identifiers: ClinVar variation 4292095 (VCV004292095.1).
Genomic context (GRCh38, chr10:110,589,946, plus strand): 5'-TATTAGCTACTTGTGGAGAGAAGAGAATGCAGAACAGCAAGCACTTGCTGCTAAAAGAGA[AGAT>A]CTTGAAAAGAAGCAACAACTTCTTAGAGCAGCAACAGGAAAGGTGGGCAGGTTCTTTTCA-3'

ClinVar aggregate classification (germline): Uncertain significance (1 of 4 stars; one submission).

Conditions:
Cornelia de Lange syndrome 3 (CDLS3). Also called: CORNELIA DE LANGE SYNDROME 3 WITH OR WITHOUT MIDLINE BRAIN DEFECTS; SMC3-Related Cornelia de Lange Syndrome. Identifiers: Orphanet 199, MedGen C1853099, MONDO:0012555, OMIM 610759.

Submission:

3billion
Classification: Uncertain significance for Cornelia de Lange syndrome 3. Last evaluated: 2024-09-29. Review status: criteria provided, single submitter. Criteria: ACMG Guidelines, 2015. Collection method: clinical testing. Allele origin: germline. Affected: yes.
Comment: The variant is not observed in the gnomAD v4.1.0 dataset. Predicted Consequence/Location: Inframe deletion located in a nonrepeat region: predicted to change the length of the protein and disrupt normal protein function. Therefore, this variant is classified as VUS according to the recommendation of ACMG/AMP guideline.